The following is an entry in ClinVar:

NM_000346.4(SOX9):c.935A>G (p.Gln312Arg)

Gene: SOX9 (SRY-box transcription factor 9; plus strand). Cytogenetic location: 17q24.3.
Variant type: single nucleotide variant.
Coding change: c.935A>G on transcript NM_000346.4 (MANE Select); coding-DNA position 935, A replaced by G.
Protein change: p.Gln312Arg; replaces glutamine 312 with arginine.
Molecular consequence: missense variant.
Genome position (GRCh38, 1-based): chr17:72,123,792, A>G. VCF-style: chr17-72123792-A-G. GRCh37 (hg19) VCF-style: chr17-70119933-A-G.
Other names: short protein forms Q312R.
Identifiers: ClinVar variation 1509254 (VCV001509254.10), dbSNP rs1908187199, ClinGen allele CA400867365.

ClinVar aggregate classification (germline): Uncertain significance (1 of 4 stars; one submission).

Conditions:
Camptomelic dysplasia (CMPD). Also called: Campomelic Dysplasia; CMPD1/SRA1. Identifiers: Orphanet 140, MedGen C1861922, MONDO:0007251, OMIM 114290.

Allele frequency attached by ClinVar (database versions not stated): TOPMed below 0.00001.

Submission:

Labcorp Genetics (formerly Invitae), Labcorp
Classification: Uncertain significance for Camptomelic dysplasia. Last evaluated: 2024-11-05. Review status: criteria provided, single submitter. Criteria: Invitae Variant Classification Sherloc (09022015). Collection method: clinical testing. Allele origin: germline.
Comment: This sequence change replaces glutamine, which is neutral and polar, with arginine, which is basic and polar, at codon 312 of the SOX9 protein (p.Gln312Arg). This variant is not present in population databases (gnomAD no frequency). This variant has not been reported in the literature in individuals affected with SOX9-related conditions. ClinVar contains an entry for this variant (Variation ID: 1509254). Invitae Evidence Modeling of protein sequence and biophysical properties (such as structural, functional, and spatial information, amino acid conservation, physicochemical variation, residue mobility, and thermodynamic stability) indicates that this missense variant is not expected to disrupt SOX9 protein function with a negative predictive value of 95%. In summary, the available evidence is currently insufficient to determine the role of this variant in disease. Therefore, it has been classified as a Variant of Uncertain Significance.